The following is an entry in ClinVar:

NM_000939.4(POMC):c.635C>T (p.Ala212Val)

Gene: POMC (proopiomelanocortin; minus strand). Cytogenetic location: 2p23.3.
Variant type: single nucleotide variant.
Coding change: c.635C>T on transcript NM_000939.4 (MANE Select); coding-DNA position 635, C replaced by T.
Protein change: p.Ala212Val; replaces alanine 212 with valine.
Molecular consequence: missense variant.
Genome position (GRCh38, 1-based): chr2:25,161,250, G>A on the plus strand (C>T on the coding strand, the complement: POMC is on the minus strand). VCF-style: chr2-25161250-G-A. GRCh37 (hg19) VCF-style: chr2-25384119-G-A.
Other names: c.635C>T, p.Ala212Val (NM_001035256.3, NM_001319204.2, NM_001319205.2); short protein forms A212V.
Identifiers: ClinVar variation 3354871 (VCV003354871.2).

ClinVar aggregate classification (germline): Uncertain significance (1 of 4 stars; one submission).

Conditions:
POMC-related disorder. Also called: POMC-related disorders; POMC-related condition.

Submission:

PreventionGenetics, part of Exact Sciences
Classification: Uncertain significance for POMC-related condition. Last evaluated: 2025-06-02. Review status: criteria provided, single submitter. Criteria: ACMG Guidelines, 2015. Collection method: clinical testing. Allele origin: germline.
Comment: The POMC c.635C>T variant is predicted to result in the amino acid substitution p.Ala212Val. This variant was observed in a cohort of individuals with obesity, and in vitro functional studies showed this variant did not reduce protein function and could cause increased function (Supplemental Data Set 3, Shah et al. 2023. PubMed ID: 36864747). This variant is reported in 0.026% of alleles in individuals of Latino descent in gnomAD. At this time, the clinical significance of this variant is uncertain due to the absence of conclusive functional and genetic evidence.